The following is an entry in ClinVar:

NM_006767.4(LZTR1):c.2378T>G (p.Leu793Arg)

Gene: LZTR1 (leucine zipper like post translational regulator 1; plus strand). Cytogenetic location: 22q11.21.
Variant type: single nucleotide variant.
Coding change: c.2378T>G on transcript NM_006767.4 (MANE Select); coding-DNA position 2378, T replaced by G.
Protein change: p.Leu793Arg; replaces leucine 793 with arginine.
Molecular consequence: missense variant.
Genome position (GRCh38, 1-based): chr22:20,996,938, T>G. VCF-style: chr22-20996938-T-G. GRCh37 (hg19) VCF-style: chr22-21351227-T-G.
Other names: short protein forms L793R.
Identifiers: ClinVar variation 3625201 (VCV003625201.2).
Genomic context (GRCh38, chr22:20,996,938, plus strand): 5'-CATTGCAGATCCTGGAGGCAGCTGACAAAACGCAGGCACTGGACATGAAGCGGCACTGCC[T>G]GCACATCATTGTGCACCAGTTCACCAAGGTCAGGGCTCTGGCCTCCCCTTCAGGACTCGC-3'
Protein context (NP_006758.2, residues 783-803): TQALDMKRHC[Leu793Arg]HIIVHQFTKV

ClinVar aggregate classification (germline): Uncertain significance (1 of 4 stars; one submission).

Submission:

Labcorp Genetics (formerly Invitae), Labcorp
Classification: Uncertain significance. Last evaluated: 2024-07-21. Review status: criteria provided, single submitter. Criteria: Invitae Variant Classification Sherloc (09022015). Collection method: clinical testing. Allele origin: germline.
Comment: This sequence change replaces leucine, which is neutral and non-polar, with arginine, which is basic and polar, at codon 793 of the LZTR1 protein (p.Leu793Arg). This variant is not present in population databases (gnomAD no frequency). This variant has not been reported in the literature in individuals affected with LZTR1-related conditions. Advanced modeling of protein sequence and biophysical properties (such as structural, functional, and spatial information, amino acid conservation, physicochemical variation, residue mobility, and thermodynamic stability) performed at Invitae indicates that this missense variant is not expected to disrupt LZTR1 protein function with a negative predictive value of 80%. In summary, the available evidence is currently insufficient to determine the role of this variant in disease. Therefore, it has been classified as a Variant of Uncertain Significance.